The following is an entry in ClinVar:

ClinVar aggregate classification (germline): Uncertain significance (1 of 4 stars; one submission).

Submission:

GeneDx
Classification: Uncertain significance. Last evaluated: 2019-10-25. Review status: criteria provided, single submitter. Criteria: GeneDx Variant Classification Process June 2021. Collection method: clinical testing. Allele origin: germline. Affected: yes.
Comment: Not observed in large population cohorts (Lek et al., 2016); In silico analysis, which includes protein predictors and evolutionary conservation, supports that this variant does not alter protein structure/function; Has not been previously published as pathogenic or benign to our knowledge

NM_001130823.3(DNMT1):c.726A>C (p.Lys242Asn)

Gene: DNMT1 (DNA methyltransferase 1; minus strand). Cytogenetic location: 19p13.2.
Variant type: single nucleotide variant.
Coding change: c.726A>C on transcript NM_001130823.3 (MANE Select); coding-DNA position 726, A replaced by C.
Protein change: p.Lys242Asn; replaces lysine 242 with asparagine.
Molecular consequence: missense variant.
Genome position (GRCh38, 1-based): chr19:10,173,132, T>G on the plus strand (A>C on the coding strand, the complement: DNMT1 is on the minus strand). VCF-style: chr19-10173132-T-G. GRCh37 (hg19) VCF-style: chr19-10283808-T-G.
Other names: c.678A>C, p.Lys226Asn (NM_001318730.2, NM_001379.4); c.363A>C, p.Lys121Asn (NM_001318731.2); short protein forms K121N, K226N, K242N.
Identifiers: ClinVar variation 1309485 (VCV001309485.2), dbSNP rs2145359310, ClinGen allele CA403943483.